The following is an entry in ClinVar:

ClinVar aggregate classification (germline): Uncertain significance (1 of 4 stars; one submission).

Allele frequency attached by ClinVar (database versions not stated): gnomAD exomes below 0.00001.
gnomAD v4.1: 5 of 1,614,230 alleles (0.00031%); highest among the groups gnomAD compares: South Asian, 0.0044%; no homozygotes.

Submission:

Labcorp Genetics (formerly Invitae), Labcorp
Classification: Uncertain significance. Last evaluated: 2021-11-30. Review status: criteria provided, single submitter. Criteria: Invitae Variant Classification Sherloc (09022015). Collection method: clinical testing. Allele origin: germline.
Comment: In summary, the available evidence is currently insufficient to determine the role of this variant in disease. Therefore, it has been classified as a Variant of Uncertain Significance. Advanced modeling of protein sequence and biophysical properties (such as structural, functional, and spatial information, amino acid conservation, physicochemical variation, residue mobility, and thermodynamic stability) performed at Invitae indicates that this missense variant is not expected to disrupt KMT2A protein function. This variant has not been reported in the literature in individuals affected with KMT2A-related conditions. This sequence change replaces valine, which is neutral and non-polar, with alanine, which is neutral and non-polar, at codon 3334 of the KMT2A protein (p.Val3334Ala). This variant is present in population databases (no rsID available, gnomAD 0.003%).

NM_001197104.2(KMT2A):c.10001T>C (p.Val3334Ala)

Gene: KMT2A (lysine methyltransferase 2A; plus strand). Cytogenetic location: 11q23.3.
Variant type: single nucleotide variant.
Coding change: c.10001T>C on transcript NM_001197104.2 (MANE Select); coding-DNA position 10001, T replaced by C.
Protein change: p.Val3334Ala; replaces valine 3334 with alanine.
Molecular consequence: missense variant.
Genome position (GRCh38, 1-based): chr11:118,505,893, T>C. VCF-style: chr11-118505893-T-C. GRCh37 (hg19) VCF-style: chr11-118376608-T-C.
Other names: c.9992T>C, p.Val3331Ala (NM_005933.4); short protein forms V3334A, V3331A.
Identifiers: ClinVar variation 1345841 (VCV001345841.6), dbSNP rs1555048052, ClinGen allele CA382822443.